The following is an entry in ClinVar:

NM_006005.3(WFS1):c.2454C>T (p.Arg818=)

Gene: WFS1 (wolframin ER transmembrane glycoprotein; plus strand). Cytogenetic location: 4p16.1.
Variant type: single nucleotide variant.
Coding change: c.2454C>T on transcript NM_006005.3 (MANE Select); coding-DNA position 2454, C replaced by T.
Protein change: p.Arg818=; no amino-acid change (arginine 818 retained).
Molecular consequence: synonymous variant.
Genome position (GRCh38, 1-based): chr4:6,302,249, C>T. VCF-style: chr4-6302249-C-T. GRCh37 (hg19) VCF-style: chr4-6303976-C-T.
Other names: c.2454C>T, p.Arg818= (NM_001145853.1).
Identifiers: ClinVar variation 178598 (VCV000178598.14), dbSNP rs139223980, ClinGen allele CA182630.
Genomic context (GRCh38, chr4:6,302,249, plus strand): 5'-CACCAAGGACATCGTGCTGCGGGCCAGCAGCGAGTTCAAGAGCGTGCTGCTCAGCCTGCG[C>T]CAGGGCAGCCTCATCGAGTTCAGCACCATCCTGGAGGGCCGCCTGGGCAGCAAGTGGCCT-3'
Protein context (NP_005996.2, residues 808-828): SEFKSVLLSL[Arg818=]QGSLIEFSTI

ClinVar aggregate classification (germline): Conflicting classifications of pathogenicity. Review status: criteria provided, conflicting classifications (1 of 4 stars). 6 submissions from 5 submitters: Uncertain significance (2); Benign (1); Likely benign (3). Last evaluated 2026-01-28.

Conditions:
Autosomal dominant nonsyndromic hearing loss 6 (LFSNHL). Also called: DEAFNESS, AUTOSOMAL DOMINANT 14; DEAFNESS, AUTOSOMAL DOMINANT 38; Autosomal dominant nonsyndromic deafness 6; DEAFNESS, AUTOSOMAL DOMINANT 6. Identifiers: Orphanet 90635, MedGen C1833021, MONDO:0010963, OMIM 600965.
Wolfram syndrome 1 (WFS1). Identifiers: Orphanet 3463, MedGen C4551693, MONDO:0009101, OMIM 222300.
WFS1-Related Spectrum Disorders.

Allele frequency attached by ClinVar (database versions not stated): gnomAD 0.00001; gnomAD exomes 0.00001 and 0.00002; TOPMed 0.00001; ExAC 0.00002; ESP Exome Variant Server 0.00008.
gnomAD v4.1: 24 of 1,605,164 alleles (0.0015%); highest among the groups gnomAD compares: African/African-American, 0.0027%; no homozygotes.

Submissions (6):

Labcorp Genetics (formerly Invitae), Labcorp
Classification: Likely benign. Last evaluated: 2026-01-28. Review status: criteria provided, single submitter. Criteria: Invitae Variant Classification Sherloc (09022015). Collection method: clinical testing. Allele origin: germline.

Blueprint Genetics
Classification: Likely benign. Last evaluated: 2021-11-26. Review status: criteria provided, single submitter. Criteria: ACMG Guidelines, 2015. Collection method: clinical testing. Allele origin: germline.

Illumina Laboratory Services, Illumina
Classification: Uncertain significance for WFS1-Related Spectrum Disorders. Last evaluated: 2018-02-02. Review status: criteria provided, single submitter. Criteria: ICSL Variant Classification Criteria 13 December 2019. Collection method: clinical testing. Allele origin: germline.

Illumina Laboratory Services, Illumina
Classification: Uncertain significance for Autosomal dominant nonsyndromic hearing loss 6. Last evaluated: 2018-02-02. Review status: criteria provided, single submitter. Criteria: ICSL Variant Classification Criteria 13 December 2019. Collection method: clinical testing. Allele origin: germline.

Laboratory for Molecular Medicine, Mass General Brigham Personalized Medicine
Classification: Likely benign. Last evaluated: 2012-04-30. Review status: criteria provided, single submitter. Criteria: LMM Criteria. Collection method: clinical testing. Allele origin: germline. Observed: 2 variant alleles.
Comment: Arg818Arg in Exon 08 of WFS1: This variant is not expected to have clinical sign ificance because it does not alter an amino acid residue, is not located within the splice consensus sequence, and has been identified in 1/7018 European Americ an chromosomes from a broad population by the NHLBI Exome Sequencing Project (dbSNP rs139223980).

Clinical Genomics, Uppaluri K&H Personalized Medicine Clinic
Classification: Benign for Wolfram syndrome 1. Review status: criteria provided, single submitter. Criteria: K & H Uppaluri Personalized Medicine Clinic Variant Classification & Assertion Criteria_Updated V.1. Collection method: research. Allele origin: unknown. Inheritance: Autosomal recessive inheritance.
Comment: Potent mutations in WFS1 gene are associated with Wolfram's syndrome, an autosomal recessive condition, which cause diabetes mellitus, diabetes insipidus, deafness and optic atrophy. However no sufficient evidence is found to ascertain the role of this particular variant rs139223980 in Wolfram's syndrome yet.

Literature cited by the submitters: PubMed 20738327 (cited by Clinical Genomics, Uppaluri K&H Personalized Medicine Clinic); PubMed 33879153 (cited by Clinical Genomics, Uppaluri K&H Personalized Medicine Clinic); PubMed 12955714 (cited by Clinical Genomics, Uppaluri K&H Personalized Medicine Clinic); PubMed 18060660 (cited by Clinical Genomics, Uppaluri K&H Personalized Medicine Clinic); PubMed 20301750 (cited by Clinical Genomics, Uppaluri K&H Personalized Medicine Clinic); PubMed 17603484 (cited by Clinical Genomics, Uppaluri K&H Personalized Medicine Clinic).